The following is an entry in ClinVar:

ClinVar aggregate classification (germline): Uncertain significance (1 of 4 stars; one submission).

gnomAD v4.1: 31 of 1,550,316 alleles (0.002%); highest among the groups gnomAD compares: East Asian, 0.034%; no homozygotes.

Submission:

Labcorp Genetics (formerly Invitae), Labcorp
Classification: Uncertain significance. Last evaluated: 2025-04-01. Review status: criteria provided, single submitter. Criteria: Invitae Variant Classification Sherloc (09022015). Collection method: clinical testing. Allele origin: germline.
Comment: This sequence change replaces isoleucine, which is neutral and non-polar, with valine, which is neutral and non-polar, at codon 1227 of the ERBIN protein (p.Ile1227Val). This variant is present in population databases (no rsID available, gnomAD 0.01%). This variant has not been reported in the literature in individuals affected with ERBIN-related conditions. ClinVar contains an entry for this variant (Variation ID: 2705585). An algorithm developed to predict the effect of missense changes on protein structure and function (PolyPhen-2) suggests that this variant is likely to be tolerated. In summary, the available evidence is currently insufficient to determine the role of this variant in disease. Therefore, it has been classified as a Variant of Uncertain Significance.

NM_001253697.2(ERBIN):c.3679A>G (p.Ile1227Val)

Gene: ERBIN (erbb2 interacting protein; plus strand). Cytogenetic location: 5q12.3.
Variant type: single nucleotide variant.
Coding change: c.3679A>G on transcript NM_001253697.2 (MANE Select); coding-DNA position 3679, A replaced by G.
Protein change: p.Ile1227Val; replaces isoleucine 1227 with valine.
Molecular consequence: missense variant. On other transcripts: intron variant (5).
Genome position (GRCh38, 1-based): chr5:66,072,214, A>G. VCF-style: chr5-66072214-A-G. GRCh37 (hg19) VCF-style: chr5-65368042-A-G.
Other names: c.3778-2810A>G (NM_001253699.2); c.3634-2810A>G (NM_018695.4, NM_001253698.2); c.3634-4102A>G (NM_001006600.3); c.3622-2810A>G (NM_001253701.2); short protein forms I1227V.
Identifiers: ClinVar variation 2705585 (VCV002705585.3), dbSNP rs1227589532, ClinGen allele CA359870701.
Genomic context (GRCh38, chr5:66,072,214, plus strand): 5'-TTTCCTGCTCATTAGAAGCATCCCCAGACATCCAGTTCAGGAGATCCTTGTCAAGATGGT[A>G]TATTCATTTCAGGACAGCAGAACTACTCATCAGCCACACTTAGTCACAAAGATGTTCCTC-3'
Protein context (NP_001240626.1, residues 1217-1237): SSSGDPCQDG[Ile1227Val]FISGQQNYSS